The following is an entry in ClinVar:

NM_001127511.3(APC):c.148T>G (p.Trp50Gly)

Gene: APC (APC regulator of Wnt signaling pathway; plus strand). Cytogenetic location: 5q22.2.
Variant type: single nucleotide variant.
Coding change: c.148T>G on transcript NM_001127511.3; coding-DNA position 148, T replaced by G.
Protein change: p.Trp50Gly; replaces tryptophan 50 with glycine.
Molecular consequence: missense variant. On other transcripts: 5 prime UTR variant (8), non-coding transcript variant (1), intron variant (5).
Genome position (GRCh38, 1-based): chr5:112,707,865, T>G. VCF-style: chr5-112707865-T-G. GRCh37 (hg19) VCF-style: chr5-112043562-T-G.
Other names: c.148T>G, p.Trp50Gly (NM_001407446.1, NM_001354897.2, NM_001354902.2); c.-36T>G (NM_001407447.1, NM_001407452.1, NM_001407456.1 and 3 more transcripts); c.-1071T>G (NM_001407470.1, NM_001407472.1); c.-19+216T>G (NM_001407448.1, NM_001407450.1, NM_001407457.1 and 1 more transcripts); c.-43+216T>G (NM_001407453.1); short protein forms W50G.
Identifiers: ClinVar variation 1054708 (VCV001054708.9), dbSNP rs1488176769, ClinGen allele CA360612162.
Genomic context (GRCh38, chr5:112,707,865, plus strand): 5'-AGCAGGAGCTGCGTCCGGCAGGAGACGAAGAGCCCGGGCGGCGCTCGTACTTCTGGCCAC[T>G]GGGCGAGCGTCTGGCAGGTGAGTGAGGCTGCAGGCATTGACGTCTCCTCCCGGCAAAGCT-3'

ClinVar aggregate classification (germline): Uncertain significance (1 of 4 stars; one submission).

Conditions:
Familial adenomatous polyposis 1 (FAP1). Also called: FAMILIAL ADENOMATOUS POLYPOSIS 1, ATTENUATED; POLYPOSIS, ADENOMATOUS INTESTINAL. Identifiers: MedGen C2713442, MONDO:0021056, OMIM 175100. Disease mechanism: loss of function.

gnomAD v4.1: 1 of 1,369,312 alleles (0.000073%); highest among the groups gnomAD compares: Non-Finnish European, 0.000096%; no homozygotes.

Submission:

Labcorp Genetics (formerly Invitae), Labcorp
Classification: Uncertain significance for Familial adenomatous polyposis 1. Last evaluated: 2019-09-16. Review status: criteria provided, single submitter. Criteria: Invitae Variant Classification Sherloc (09022015). Collection method: clinical testing. Allele origin: germline.
Comment: In summary, the available evidence is currently insufficient to determine the role of this variant in disease. Therefore, it has been classified as a Variant of Uncertain Significance. Experimental studies and prediction algorithms are not available for this variant, and the functional significance of this non-coding change is currently unknown. This variant has not been reported in the literature in individuals with APC-related conditions. The frequency data for this variant in the population databases is considered unreliable, as metrics indicate insufficient coverage at this position in the ExAC database. This variant occurs in a non-coding region of the APC gene. It does not change the encoded amino acid sequence of the APC protein.